The following is an entry in ClinVar:

ClinVar aggregate classification (germline): Uncertain significance (1 of 4 stars; one submission).

Conditions:
Autosomal recessive nonsyndromic hearing loss 18B. Also called: Deafness, autosomal recessive 18b. Identifiers: Orphanet 90636, MedGen C3554163, MONDO:0013985, OMIM 614945.

Submission:

Baylor Genetics
Classification: Uncertain significance for Autosomal recessive nonsyndromic hearing loss 18B. Last evaluated: 2020-06-03. Review status: criteria provided, single submitter. Criteria: ACMG Guidelines, 2015. Collection method: clinical testing. Allele origin: unknown. Affected: yes.
Comment: This variant was determined to be of uncertain significance according to ACMG Guidelines, 2015 [PMID:25741868].

NM_001292063.2(OTOG):c.7480+6T>C

Gene: OTOG (otogelin; plus strand). Cytogenetic location: 11p15.1.
Variant type: single nucleotide variant.
Coding change: c.7480+6T>C on transcript NM_001292063.2 (MANE Select); 6 bases into the intron after coding-DNA position 7480, T replaced by C.
Molecular consequence: intron variant.
Genome position (GRCh38, 1-based): chr11:17,634,287, T>C. VCF-style: chr11-17634287-T-C. GRCh37 (hg19) VCF-style: chr11-17655834-T-C.
Other names: c.7516+6T>C (NM_001277269.2).
Identifiers: ClinVar variation 1031285 (VCV001031285.1), dbSNP rs1854206287, ClinGen allele CA1955236511.